The following is an entry in ClinVar:

NM_130839.5(UBE3A):c.361+30G>A

Genes: SNHG14 (small nucleolar RNA host gene 14; plus strand), UBE3A (ubiquitin protein ligase E3A; minus strand). Cytogenetic location: 15q11.2.
Variant type: single nucleotide variant.
Coding change: c.361+30G>A on transcript NM_130839.5 (MANE Select); 30 bases into the intron after coding-DNA position 361, G replaced by A.
Molecular consequence: intron variant.
Genome position (GRCh38, 1-based): chr15:25,375,435, C>T on the plus strand (G>A on the coding strand, the complement: UBE3A is on the minus strand). VCF-style: chr15-25375435-C-T. GRCh37 (hg19) VCF-style: chr15-25620582-C-T.
Other names: c.184+30G>A (NM_001354546.2); c.301+30G>A (NM_001354551.2, NM_001354549.2, NM_001354548.2 and 18 more transcripts); c.361+30G>A (NM_001354550.2, NM_001354545.2, NM_001354538.2 and 1 more transcripts); c.370+30G>A (NM_000462.5).
Identifiers: ClinVar variation 156130 (VCV000156130.1), dbSNP rs367646993, ClinGen allele CA333421.

ClinVar aggregate classification (germline): Uncertain significance (0 of 4 stars; one submission).

Conditions:
Angelman syndrome (AS). Also called: HAPPY PUPPET SYNDROME. Identifiers: Orphanet 72, MedGen C0162635, MONDO:0007113, OMIM 105830. Disease mechanism: loss of function. Inheritance: AS is caused by disruption of maternally imprinted UBE3A located within the 15q11.2-q13 Angelman syndrome/Prader-Willi syndrome (AS/PWS) region., imprinting disorder.

Allele frequency attached by ClinVar (database versions not stated): gnomAD exomes 0.00002 and 0.00007; gnomAD 0.00003; ExAC 0.00005; TOPMed 0.00005; ESP Exome Variant Server 0.00008.
gnomAD v4.1: 47 of 1,609,624 alleles (0.0029%); highest among the groups gnomAD compares: Non-Finnish European, 0.0039%; no homozygotes.

Submission:

Baylor Genetics
Classification: Uncertain significance for Angelman syndrome. Last evaluated: 2014-02-14. Review status: no assertion criteria provided. Collection method: clinical testing. Allele origin: germline. Affected: yes. Observed: 1 variant allele. Study: UBE3A Mutation Study.
Comment: possible diagnosis of Angelman syndrome

Data collected from clinical UBE3A sequence analysis results

Literature cited by the submitters: PubMed 25212744.